The following is an entry in ClinVar:

NM_001022.4(RPS19):c.115C>G (p.Leu39Val)

Genes: RPS19 (ribosomal protein S19; plus strand), RPS19-CD79A (RPS19-CD79A readthrough; plus strand). Cytogenetic location: 19q13.2.
Variant type: single nucleotide variant.
Coding change: c.115C>G on transcript NM_001022.4 (MANE Select); coding-DNA position 115, C replaced by G.
Protein change: p.Leu39Val; replaces leucine 39 with valine.
Molecular consequence: missense variant.
Genome position (GRCh38, 1-based): chr19:41,861,155, C>G. VCF-style: chr19-41861155-C-G. GRCh37 (hg19) VCF-style: chr19-42365224-C-G.
Other names: c.115C>G, p.Leu39Val (NM_001321483.2, NM_001321484.2, NM_001321485.2); short protein forms L39V.
Identifiers: ClinVar variation 3364758 (VCV003364758.1).
Genomic context (GRCh38, chr19:41,861,155, plus strand): 5'-CACTGTTTTGGTCTTAGGTCCGGGAAGCTGAAAGTCCCCGAATGGGTGGATACCGTCAAG[C>G]TGGCCAAGCACAAAGAGCTTGCTCCCTACGATGAGAACTGGTTCTACACGCGAGCTGGTG-3'
Protein context (NP_001013.1, residues 29-49): KVPEWVDTVK[Leu39Val]AKHKELAPYD

ClinVar aggregate classification (germline): Uncertain significance (1 of 4 stars; one submission).

Submission:

GeneDx
Classification: Uncertain significance. Last evaluated: 2023-11-27. Review status: criteria provided, single submitter. Criteria: GeneDx Variant Classification Process June 2021. Collection method: clinical testing. Allele origin: germline. Affected: yes.
Comment: Has not been previously published as pathogenic or benign to our knowledge; Not observed at significant frequency in large population cohorts (gnomAD); In silico analysis supports that this missense variant has a deleterious effect on protein structure/function; Missense variants in this gene are a common cause of disease and they are underrepresented in the general population